The following is an entry in ClinVar:

NM_006231.4(POLE):c.6457C>T (p.Leu2153Phe)

Gene: POLE (DNA polymerase epsilon, catalytic subunit; minus strand). Cytogenetic location: 12q24.33.
Variant type: single nucleotide variant.
Coding change: c.6457C>T on transcript NM_006231.4 (MANE Select); coding-DNA position 6457, C replaced by T.
Protein change: p.Leu2153Phe; replaces leucine 2153 with phenylalanine.
Molecular consequence: missense variant.
Genome position (GRCh38, 1-based): chr12:132,626,191, G>A on the plus strand (C>T on the coding strand, the complement: POLE is on the minus strand). VCF-style: chr12-132626191-G-A. GRCh37 (hg19) VCF-style: chr12-133202777-G-A.
Other names: c.6457C>T (NM_006231.2); short protein forms L2153F.
Identifiers: ClinVar variation 1038898 (VCV001038898.10), dbSNP rs2041834985, ClinGen allele CA387367462.

ClinVar aggregate classification (germline): Uncertain significance. Review status: criteria provided, multiple submitters, no conflicts (2 of 4 stars). 2 submissions from 2 submitters: Uncertain significance (2). Last evaluated 2025-08-21.

Conditions:
Hereditary cancer-predisposing syndrome. Also called: Neoplastic Syndromes, Hereditary; Hereditary Cancer Syndrome; Tumor predisposition; Hereditary neoplastic syndrome. Identifiers: Orphanet 140162, MedGen C0027672, MeSH D009386, MONDO:0015356.

gnomAD v4.1: 1 of 1,613,624 alleles (0.000062%); no homozygotes.

Submissions (2):

Ambry Genetics
Classification: Uncertain significance for Hereditary cancer-predisposing syndrome. Last evaluated: 2025-08-21. Review status: criteria provided, single submitter. Criteria: Ambry Variant Classification Scheme 2023. Collection method: clinical testing. Allele origin: germline.

Labcorp Genetics (formerly Invitae), Labcorp
Classification: Uncertain significance. Last evaluated: 2020-08-05. Review status: criteria provided, single submitter. Criteria: Invitae Variant Classification Sherloc (09022015). Collection method: clinical testing. Allele origin: germline.
Comment: This variant has not been reported in the literature in individuals with POLE-related conditions. In summary, the available evidence is currently insufficient to determine the role of this variant in disease. Therefore, it has been classified as a Variant of Uncertain Significance. Algorithms developed to predict the effect of missense changes on protein structure and function are either unavailable or do not agree on the potential impact of this missense change (SIFT: "Deleterious"; PolyPhen-2: "Probably Damaging"; Align-GVGD: "Class C0"). This variant is not present in population databases (ExAC no frequency). This sequence change replaces leucine with phenylalanine at codon 2153 of the POLE protein (p.Leu2153Phe). The leucine residue is moderately conserved and there is a small physicochemical difference between leucine and phenylalanine.